The following is an entry in ClinVar:

ClinVar aggregate classification (germline): Benign (0 of 4 stars; one submission).

Conditions:
AHNAK-related disorder. Also called: AHNAK-related condition.

Submission:

PreventionGenetics, part of Exact Sciences
Classification: Benign for AHNAK-related condition. Last evaluated: 2019-03-08. Review status: no assertion criteria provided. Collection method: clinical testing. Allele origin: germline.
Comment: This variant is classified as benign based on ACMG/AMP sequence variant interpretation guidelines (Richards et al. 2015 PMID: 25741868, with internal and published modifications).

NM_001620.3(AHNAK):c.10GAG[3] (p.Glu5_Thr6insGlu)

Genes: AHNAK (AHNAK nucleoprotein; minus strand), LOC126861227 (CDK7 strongly-dependent group 2 enhancer GRCh37_chr11:62302796-62303995; plus strand). Cytogenetic location: 11q12.3.
Variant type: Microsatellite.
Coding change: c.10GAG[3] on transcript NM_001620.3 (MANE Select); three copies in a row of the 3-base unit GAG starting at c.10; the reference has two copies in a row; one copy, 3 bases duplicated.
Protein change: p.Glu5_Thr6insGlu.
Genome position (GRCh38, 1-based): chr11:62,536,084-62,536,086, CTC duplicated on the plus strand (GAG on the coding strand, the reverse complement: AHNAK is on the minus strand); duplicating any 3 consecutive bases within chr11:62,536,084-62,536,091 gives the same sequence; the position shown is the placement nearest the transcript's 3' end. VCF-style (leftmost placement, unchanged base first): chr11-62536083-T-TCTC. GRCh37 (hg19) VCF-style: chr11-62303555-T-TCTC.
Other names: c.10GAG[3], p.Glu5_Thr6insGlu (NM_001346445.2, NM_001346446.2, NM_024060.4).
Identifiers: ClinVar variation 3055472 (VCV003055472.2), dbSNP rs113658672, ClinGen allele CA6047012.
Genomic context (GRCh38, chr11:62,536,083, plus strand): 5'-CGATGGTCAGCCCGTGGGAGCCACTACCCTGCCAGTTGGGCAGCAGCAGCTCCCGGGTTG[T>TCTC]CTCCTCCTTCTCCATCTGGAATGAGGTGAGGAAATGGAACTGGGGTCAGTGGGGGTGGGA-3'